The following is an entry in ClinVar:

NM_016373.4(WWOX):c.562C>A (p.Arg188Ser)

Gene: WWOX (WW domain containing oxidoreductase; plus strand). Cytogenetic location: 16q23.1.
Variant type: single nucleotide variant.
Coding change: c.562C>A on transcript NM_016373.4 (MANE Select); coding-DNA position 562, C replaced by A.
Protein change: p.Arg188Ser; replaces arginine 188 with serine.
Molecular consequence: missense variant.
Genome position (GRCh38, 1-based): chr16:78,386,905, C>A. VCF-style: chr16-78386905-C-A. GRCh37 (hg19) VCF-style: chr16-78420802-C-A.
Other names: c.223C>A, p.Arg75Ser (NM_001291997.2); short protein forms R188S, R75S.
Identifiers: ClinVar variation 410086 (VCV000410086.46), dbSNP rs199511589, ClinGen allele CA8183335.

ClinVar aggregate classification (germline): Conflicting classifications of pathogenicity. Review status: criteria provided, conflicting classifications (1 of 4 stars). 7 submissions from 7 submitters: Uncertain significance (6); Likely benign (1). Last evaluated 2025-12-19.

Conditions:
Developmental and epileptic encephalopathy, 28 (DEE28). Also called: Epileptic encephalopathy, early infantile, 28. Identifiers: Orphanet 442835, MedGen C4015519, MONDO:0014533, OMIM 616211.
Malignant tumor of esophagus. Also called: Esophageal cancer, somatic; Esophageal cancer. Identifiers: Orphanet 99977, MedGen C0546837, MONDO:0007576, OMIM 133239.
Autosomal recessive spinocerebellar ataxia 12. Also called: SPINOCEREBELLAR ATAXIA WITH MENTAL RETARDATION AND EPILEPSY. Identifiers: Orphanet 284282, MedGen C3280452, MONDO:0013687, OMIM 614322.
Developmental and epileptic encephalopathy, 1 (DEE1). Also called: Epileptic encephalopathy, early infantile, 1; X-linked infantile spasms; West's syndrome; Tonic spasms with clustering, arrest of psychomotor development and hypsarrhythmia on EEG; X-Linked Infantile Spasm Syndrome; OHTAHARA SYNDROME, X-LINKED. Identifiers: MedGen C3463992, MONDO:0010632, OMIM 308350. Disease mechanism: loss of function.

Allele frequency attached by ClinVar (database versions not stated): TOPMed 0.00037; ESP Exome Variant Server 0.00041.
gnomAD v4.1: 740 of 1,613,984 alleles (0.046%); highest among the groups gnomAD compares: Non-Finnish European, 0.058%; 1 homozygote.

Submissions (7):

GeneDx
Classification: Uncertain significance. Last evaluated: 2025-12-19. Review status: criteria provided, single submitter. Criteria: GeneDx Variant Classification Process June 2021. Collection method: clinical testing. Allele origin: germline. Affected: yes.
Comment: In silico analysis suggests that this missense variant does not alter protein structure/function; Has not been previously published as pathogenic or benign to our knowledge; This variant is associated with the following publications: (PMID: 25411445)

Athena Diagnostics
Classification: Uncertain significance. Last evaluated: 2025-10-01. Review status: criteria provided, single submitter. Criteria: Athena Diagnostics Criteria. Collection method: clinical testing. Allele origin: unknown.
Comment: Available data are insufficient to determine the clinical significance of the variant at this time. The frequency of this variant in the general population is higher than would generally be expected for pathogenic variants in this gene. Computational tools disagree on the variant's effect on normal protein function.

ARUP Laboratories, Molecular Genetics and Genomics, ARUP Laboratories
Classification: Uncertain significance. Last evaluated: 2025-01-30. Review status: criteria provided, single submitter. Criteria: ARUP Molecular Germline Variant Investigation Process 2024. Collection method: clinical testing. Allele origin: germline.

Blueprint Genetics
Classification: Uncertain significance. Last evaluated: 2024-11-18. Review status: criteria provided, single submitter. Criteria: ACMG Guidelines, 2015. Collection method: clinical testing. Allele origin: germline.

CeGaT Center for Human Genetics Tuebingen
Classification: Likely benign. Last evaluated: 2023-11-01. Review status: criteria provided, single submitter. Criteria: CeGaT Center For Human Genetics Tuebingen Variant Classification Criteria Version 2. Collection method: clinical testing. Allele origin: germline. Affected: yes. Observed: 2 variant alleles.
Comment: WWOX: BP4

Labcorp Genetics (formerly Invitae), Labcorp
Classification: Uncertain significance for Developmental and epileptic encephalopathy, 1; Autosomal recessive spinocerebellar ataxia 12. Last evaluated: 2022-10-13. Review status: criteria provided, single submitter. Criteria: Invitae Variant Classification Sherloc (09022015). Collection method: clinical testing. Allele origin: germline.
Comment: This sequence change replaces arginine, which is basic and polar, with serine, which is neutral and polar, at codon 188 of the WWOX protein (p.Arg188Ser). This variant is present in population databases (rs199511589, gnomAD 0.05%). This missense change has been observed in individual(s) with clinical features of WWOX-related conditions (Invitae). ClinVar contains an entry for this variant (Variation ID: 410086). Advanced modeling of protein sequence and biophysical properties (such as structural, functional, and spatial information, amino acid conservation, physicochemical variation, residue mobility, and thermodynamic stability) performed at Invitae indicates that this missense variant is not expected to disrupt WWOX protein function. In summary, the available evidence is currently insufficient to determine the role of this variant in disease. Therefore, it has been classified as a Variant of Uncertain Significance.

Fulgent Genetics
Classification: Uncertain significance for Malignant tumor of esophagus; Autosomal recessive spinocerebellar ataxia 12; Developmental and epileptic encephalopathy, 28. Last evaluated: 2018-10-31. Review status: criteria provided, single submitter. Criteria: ACMG Guidelines, 2015. Collection method: clinical testing. Allele origin: unknown.